The following is an entry in ClinVar:

ClinVar aggregate classification (germline): Uncertain significance (1 of 4 stars; one submission).

Submission:

GeneDx
Classification: Uncertain significance. Last evaluated: 2022-06-30. Review status: criteria provided, single submitter. Criteria: GeneDx Variant Classification Process June 2021. Collection method: clinical testing. Allele origin: germline. Affected: yes.
Comment: Not observed at significant frequency in large population cohorts (gnomAD); Canonical splice site variant in a gene or region of a gene for which loss of function is not a well-established mechanism of disease; Has not been previously published as pathogenic or benign to our knowledge; Variants in candidate genes are classified as variants of uncertain significance in accordance with ACMG guidelines (Richards et al., 2015)

NM_001080421.3(UNC13A):c.394+1G>A

Gene: UNC13A (unc-13 homolog A; minus strand). Cytogenetic location: 19p13.11.
Variant type: single nucleotide variant.
Coding change: c.394+1G>A on transcript NM_001080421.3 (MANE Select); the canonical splice donor site of the intron after coding-DNA position 394, G replaced by A.
Molecular consequence: splice donor variant.
Genome position (GRCh38, 1-based): chr19:17,669,552, C>T on the plus strand (G>A on the coding strand, the complement: UNC13A is on the minus strand). VCF-style: chr19-17669552-C-T. GRCh37 (hg19) VCF-style: chr19-17780361-C-T.
Other names: c.394+1G>A (NM_001387022.1, NM_001387023.1, NM_001387021.1).
Identifiers: ClinVar variation 1809900 (VCV001809900.1), dbSNP rs2513145340, ClinGen allele CA404741367.